The following is an entry in ClinVar:

NM_031935.3(HMCN1):c.8483C>G (p.Pro2828Arg)

Gene: HMCN1 (hemicentin 1; plus strand). Cytogenetic location: 1q31.1.
Variant type: single nucleotide variant.
Coding change: c.8483C>G on transcript NM_031935.3 (MANE Select); coding-DNA position 8483, C replaced by G.
Protein change: p.Pro2828Arg; replaces proline 2828 with arginine.
Molecular consequence: missense variant.
Genome position (GRCh38, 1-based): chr1:186,076,620, C>G. VCF-style: chr1-186076620-C-G. GRCh37 (hg19) VCF-style: chr1-186045752-C-G.
Other names: short protein forms P2828R.
Identifiers: ClinVar variation 1913034 (VCV001913034.5), dbSNP rs778961224, ClinGen allele CA343913216.

ClinVar aggregate classification (germline): Uncertain significance (1 of 4 stars; one submission).

Allele frequency attached by ClinVar (database versions not stated): gnomAD 0.00001; TOPMed 0.00001.
gnomAD v4.1: 6 of 1,612,436 alleles (0.00037%); highest among the groups gnomAD compares: Non-Finnish European, 0.00051%; no homozygotes.

Submission:

Labcorp Genetics (formerly Invitae), Labcorp
Classification: Uncertain significance. Last evaluated: 2024-02-24. Review status: criteria provided, single submitter. Criteria: Invitae Variant Classification Sherloc (09022015). Collection method: clinical testing. Allele origin: germline.
Comment: This sequence change replaces proline, which is neutral and non-polar, with arginine, which is basic and polar, at codon 2828 of the HMCN1 protein (p.Pro2828Arg). This variant is not present in population databases (gnomAD no frequency). This variant has not been reported in the literature in individuals affected with HMCN1-related conditions. ClinVar contains an entry for this variant (Variation ID: 1913034). An algorithm developed to predict the effect of missense changes on protein structure and function (PolyPhen-2) suggests that this variant is likely to be disruptive. In summary, the available evidence is currently insufficient to determine the role of this variant in disease. Therefore, it has been classified as a Variant of Uncertain Significance.